The following is an entry in ClinVar:

ClinVar aggregate classification (germline): Uncertain significance (1 of 4 stars; one submission).

Conditions:
Distal hereditary motor neuropathy type 2. Identifiers: Orphanet 139525, MedGen C3711384, MeSH C580044, MONDO:0015352.

Allele frequency attached by ClinVar (database versions not stated): ExAC 0.00001; gnomAD 0.00001; gnomAD exomes 0.00001; TOPMed 0.00001; ESP Exome Variant Server 0.00008.
gnomAD v4.1: 16 of 1,613,950 alleles (0.00099%); highest among the groups gnomAD compares: African/African-American, 0.0013%; no homozygotes.

Submission:

Labcorp Genetics (formerly Invitae), Labcorp
Classification: Uncertain significance for Distal hereditary motor neuropathy type 2. Last evaluated: 2021-07-10. Review status: criteria provided, single submitter. Criteria: Invitae Variant Classification Sherloc (09022015). Collection method: clinical testing. Allele origin: germline.
Comment: This variant is present in population databases (rs368967979, ExAC 0.002%). This sequence change falls in intron 15 of the FBXO38 gene. It does not directly change the encoded amino acid sequence of the FBXO38 protein, but it affects a nucleotide within the consensus splice site of the intron. This variant has not been reported in the literature in individuals with FBXO38-related conditions. Nucleotide substitutions within the consensus splice site are a relatively common cause of aberrant splicing (PMID: 17576681, 9536098). Algorithms developed to predict the effect of sequence changes on RNA splicing suggest that this variant may disrupt the consensus splice site, but this prediction has not been confirmed by published transcriptional studies. In summary, the available evidence is currently insufficient to determine the role of this variant in disease. Therefore, it has been classified as a Variant of Uncertain Significance.

Literature cited by the submitters: PubMed 17576681; PubMed 9536098.

NM_205836.3(FBXO38):c.2433G>A (p.Thr811=)

Gene: FBXO38 (F-box protein 38; plus strand). Cytogenetic location: 5q32.
Variant type: single nucleotide variant.
Coding change: c.2433G>A on transcript NM_205836.3 (MANE Select); coding-DNA position 2433, G replaced by A.
Protein change: p.Thr811=; no amino-acid change (threonine 811 retained).
Molecular consequence: synonymous variant. On other transcripts: intron variant (2).
Genome position (GRCh38, 1-based): chr5:148,427,727, G>A. VCF-style: chr5-148427727-G-A. GRCh37 (hg19) VCF-style: chr5-147807290-G-A.
Other names: c.2428+5G>A (NM_030793.5); c.1918+2026G>A (NM_001271723.2).
Identifiers: ClinVar variation 1002325 (VCV001002325.8), dbSNP rs368967979, ClinGen allele CA3497510.